The following is an entry in ClinVar:

ClinVar aggregate classification (germline): Uncertain significance (1 of 4 stars; one submission).

Conditions:
Norman-Roberts syndrome (LIS2). Also called: Lissencephaly 2 (Norman-Roberts type). Identifiers: Orphanet 89844, MedGen C0796089, MONDO:0009760, OMIM 257320.
Familial temporal lobe epilepsy 7. Identifiers: Orphanet 101046, MedGen C4225327, MONDO:0014639, OMIM 616436.

Submission:

Labcorp Genetics (formerly Invitae), Labcorp
Classification: Uncertain significance for Familial temporal lobe epilepsy 7; Norman-Roberts syndrome. Last evaluated: 2023-06-27. Review status: criteria provided, single submitter. Criteria: Invitae Variant Classification Sherloc (09022015). Collection method: clinical testing. Allele origin: germline.
Comment: In summary, the available evidence is currently insufficient to determine the role of this variant in disease. Therefore, it has been classified as a Variant of Uncertain Significance. Advanced modeling of protein sequence and biophysical properties (such as structural, functional, and spatial information, amino acid conservation, physicochemical variation, residue mobility, and thermodynamic stability) performed at Invitae indicates that this missense variant is not expected to disrupt RELN protein function. ClinVar contains an entry for this variant (Variation ID: 1991534). This variant has not been reported in the literature in individuals affected with RELN-related conditions. This variant is not present in population databases (gnomAD no frequency). This sequence change replaces methionine, which is neutral and non-polar, with leucine, which is neutral and non-polar, at codon 571 of the RELN protein (p.Met571Leu).

NM_005045.4(RELN):c.1711A>C (p.Met571Leu)

Gene: RELN (reelin; minus strand). Cytogenetic location: 7q22.1.
Variant type: single nucleotide variant.
Coding change: c.1711A>C on transcript NM_005045.4 (MANE Select); coding-DNA position 1711, A replaced by C.
Protein change: p.Met571Leu; replaces methionine 571 with leucine.
Molecular consequence: missense variant.
Genome position (GRCh38, 1-based): chr7:103,652,603, T>G on the plus strand (A>C on the coding strand, the complement: RELN is on the minus strand). VCF-style: chr7-103652603-T-G. GRCh37 (hg19) VCF-style: chr7-103293050-T-G.
Other names: c.1711A>C, p.Met571Leu (NM_173054.3); short protein forms M571L.
Identifiers: ClinVar variation 1991534 (VCV001991534.4), dbSNP rs2117391388, ClinGen allele CA368765452.